The following is an entry in ClinVar:

ClinVar aggregate classification (germline): Uncertain significance (1 of 4 stars; one submission).

Conditions:
Aortic aneurysm, familial thoracic 4 (AAT4). Also called: AORTIC ANEURYSM/AORTIC DISSECTION AND PATENT DUCTUS ARTERIOSUS. Identifiers: MedGen C1851504, MONDO:0007568, OMIM 132900.

Allele frequency attached by ClinVar (database versions not stated): gnomAD exomes below 0.00001.
gnomAD v4.1: 1 of 1,614,214 alleles (0.000062%); highest among the groups gnomAD compares: Non-Finnish European, 0.000085%; no homozygotes.

Submission:

Labcorp Genetics (formerly Invitae), Labcorp
Classification: Uncertain significance for Aortic aneurysm, familial thoracic 4. Last evaluated: 2023-08-30. Review status: criteria provided, single submitter. Criteria: Invitae Variant Classification Sherloc (09022015). Collection method: clinical testing. Allele origin: germline.
Comment: In summary, the available evidence is currently insufficient to determine the role of this variant in disease. Therefore, it has been classified as a Variant of Uncertain Significance. Advanced modeling of protein sequence and biophysical properties (such as structural, functional, and spatial information, amino acid conservation, physicochemical variation, residue mobility, and thermodynamic stability) performed at Invitae indicates that this missense variant is not expected to disrupt MYH11 protein function. This variant has not been reported in the literature in individuals affected with MYH11-related conditions. This variant is not present in population databases (gnomAD no frequency). This sequence change replaces lysine, which is basic and polar, with glutamine, which is neutral and polar, at codon 1688 of the MYH11 protein (p.Lys1688Gln).

NM_002474.3(MYH11):c.5041A>C (p.Lys1681Gln)

Genes: NDE1 (nudE neurodevelopment protein 1; plus strand), MYH11 (myosin heavy chain 11; minus strand). Cytogenetic location: 16p13.11.
Variant type: single nucleotide variant.
Coding change: c.5041A>C on transcript NM_002474.3 (MANE Select); coding-DNA position 5041, A replaced by C.
Protein change: p.Lys1681Gln; replaces lysine 1681 with glutamine.
Molecular consequence: missense variant. On other transcripts: intron variant (2).
Genome position (GRCh38, 1-based): chr16:15,719,626, T>G on the plus strand (A>C on the coding strand, the complement: MYH11 is on the minus strand). VCF-style: chr16-15719626-T-G. GRCh37 (hg19) VCF-style: chr16-15813483-T-G.
Other names: c.5062A>C, p.Lys1688Gln (NM_001040113.2, NM_001040114.2); c.5041A>C, p.Lys1681Gln (NM_022844.3); c.948-4565T>G (NM_001143979.2, NM_017668.3); short protein forms K1688Q, K1681Q.
Identifiers: ClinVar variation 2745331 (VCV002745331.3), dbSNP rs2506108125, ClinGen allele CA394851492.